The following is an entry in ClinVar:

NM_000049.4(ASPA):c.376C>G (p.Leu126Val)

Genes: ASPA (aspartoacylase; plus strand), SPATA22 (spermatogenesis associated 22; minus strand). Cytogenetic location: 17p13.2.
Variant type: single nucleotide variant.
Coding change: c.376C>G on transcript NM_000049.4 (MANE Select); coding-DNA position 376, C replaced by G.
Protein change: p.Leu126Val; replaces leucine 126 with valine.
Molecular consequence: missense variant. On other transcripts: intron variant (2).
Genome position (GRCh38, 1-based): chr17:3,481,742, C>G. VCF-style: chr17-3481742-C-G. GRCh37 (hg19) VCF-style: chr17-3385036-C-G.
Other names: c.376C>G, p.Leu126Val (NM_001128085.1); c.-73-12344G>C (NM_001321336.2, NM_001321337.2); short protein forms L126V.
Identifiers: ClinVar variation 2185522 (VCV002185522.2), dbSNP rs761453285, ClinGen allele CA8288907.

ClinVar aggregate classification (germline): Uncertain significance. Review status: criteria provided, multiple submitters, no conflicts (2 of 4 stars). 2 submissions from 2 submitters: Uncertain significance (2). Last evaluated 2022-09-29.

Conditions:
Spongy degeneration of central nervous system. Also called: ACY2 DEFICIENCY; AMINOACYLASE 2 DEFICIENCY; ASP DEFICIENCY; ASPA DEFICIENCY; ASPARTOACYLASE DEFICIENCY; CANAVAN-VAN BOGAERT-BERTRAND DISEASE. Identifiers: Orphanet 141, MedGen C0206307, MONDO:0010079, OMIM 271900.
Inborn genetic diseases. Identifiers: MedGen C0950123, MeSH D030342.

Allele frequency attached by ClinVar (database versions not stated): gnomAD exomes 0.00001; gnomAD 0.00001; TOPMed 0.00002; ExAC 0.00003.
gnomAD v4.1: 8 of 1,613,324 alleles (0.0005%); highest among the groups gnomAD compares: Admixed American, 0.0083%; no homozygotes.

Submissions (2):

Ambry Genetics
Classification: Uncertain significance for Inborn genetic diseases. Last evaluated: 2022-09-29. Review status: criteria provided, single submitter. Criteria: Ambry Variant Classification Scheme 2023. Collection method: clinical testing. Allele origin: germline.

Labcorp Genetics (formerly Invitae), Labcorp
Classification: Uncertain significance for Spongy degeneration of central nervous system. Last evaluated: 2021-09-01. Review status: criteria provided, single submitter. Criteria: Invitae Variant Classification Sherloc (09022015). Collection method: clinical testing. Allele origin: germline.
Comment: This sequence change replaces leucine with valine at codon 126 of the ASPA protein (p.Leu126Val). The leucine residue is highly conserved and there is a small physicochemical difference between leucine and valine. This variant is present in population databases (rs761453285, ExAC 0.03%). This variant has not been reported in the literature in individuals affected with ASPA-related conditions. Algorithms developed to predict the effect of missense changes on protein structure and function are either unavailable or do not agree on the potential impact of this missense change (SIFT: "Deleterious"; PolyPhen-2: "Benign"; Align-GVGD: "Class C0"). In summary, the available evidence is currently insufficient to determine the role of this variant in disease. Therefore, it has been classified as a Variant of Uncertain Significance.